The following is an entry in ClinVar:

ClinVar aggregate classification (germline): Pathogenic (1 of 4 stars; one submission).

Conditions:
Inborn genetic diseases. Identifiers: MedGen C0950123, MeSH D030342.

Submission:

Ambry Genetics
Classification: Pathogenic for Inborn genetic diseases. Last evaluated: 2021-05-06. Review status: criteria provided, single submitter. Criteria: Ambry Variant Classification Scheme 2023. Collection method: clinical testing. Allele origin: germline.
Comment: The c.5164C>T (p.Q1722*) alteration, located in exon 28 (coding exon 27) of the HERC1 gene, consists of a C to T substitution at nucleotide position 5164. This changes the amino acid from a glutamine (Q) to a stop codon at amino acid position 1722. This alteration is expected to result in loss of function by premature protein truncation or nonsense-mediated mRNA decay. Based on the available evidence, this alteration is classified as pathogenic.

NM_003922.4(HERC1):c.5164C>T (p.Gln1722Ter)

Gene: HERC1 (HECT and RLD domain containing E3 ubiquitin protein ligase family member 1; minus strand). Cytogenetic location: 15q22.31.
Variant type: single nucleotide variant.
Coding change: c.5164C>T on transcript NM_003922.4 (MANE Select); coding-DNA position 5164, C replaced by T.
Protein change: p.Gln1722Ter; replaces glutamine 1722 with a stop codon.
Molecular consequence: nonsense.
Genome position (GRCh38, 1-based): chr15:63,694,852, G>A on the plus strand (C>T on the coding strand, the complement: HERC1 is on the minus strand). VCF-style: chr15-63694852-G-A. GRCh37 (hg19) VCF-style: chr15-63987051-G-A.
Other names: short protein forms Q1722*.
Identifiers: ClinVar variation 2230986 (VCV002230986.2), dbSNP rs2551493276, ClinGen allele CA392748759.